The following is an entry in ClinVar:

NM_004168.4(SDHA):c.1247A>T (p.Asn416Ile)

Gene: SDHA (succinate dehydrogenase complex flavoprotein subunit A; plus strand). Cytogenetic location: 5p15.33.
Variant type: single nucleotide variant.
Coding change: c.1247A>T on transcript NM_004168.4 (MANE Select); coding-DNA position 1247, A replaced by T.
Protein change: p.Asn416Ile; replaces asparagine 416 with isoleucine.
Molecular consequence: missense variant.
Genome position (GRCh38, 1-based): chr5:235,326, A>T. VCF-style: chr5-235326-A-T. GRCh37 (hg19) VCF-style: chr5-235441-A-T.
Other names: c.1103A>T, p.Asn368Ile (NM_001294332.2); c.1247A>T, p.Asn416Ile (NM_001330758.2); short protein forms N416I, N368I.
Identifiers: ClinVar variation 945560 (VCV000945560.14), dbSNP rs1409603646, ClinGen allele CA359013754.

ClinVar aggregate classification (germline): Uncertain significance. Review status: criteria provided, multiple submitters, no conflicts (2 of 4 stars). 3 submissions from 3 submitters: Uncertain significance (3). Last evaluated 2025-12-24.

Conditions:
Mitochondrial complex II deficiency, nuclear type 1. Also called: SUCCINATE CoQ REDUCTASE DEFICIENCY. Identifiers: Orphanet 3208, MedGen C5700310, MONDO:0100294, OMIM 252011.
Pheochromocytoma/paraganglioma syndrome 5. Also called: Paragangliomas 5; SDHA-Related Hereditary Paraganglioma-Pheochromocytoma Syndrome. Identifiers: Orphanet 29072, MedGen C3279992, MONDO:0013602, OMIM 614165.
Hereditary cancer-predisposing syndrome. Also called: Hereditary Cancer Syndrome; Neoplastic Syndromes, Hereditary; Tumor predisposition; Hereditary neoplastic syndrome. Identifiers: Orphanet 140162, MedGen C0027672, MeSH D009386, MONDO:0015356.

gnomAD v4.1: 2 of 1,614,178 alleles (0.00012%); highest among the groups gnomAD compares: Non-Finnish European, 0.00017%; no homozygotes.

Submissions (3):

Labcorp Genetics (formerly Invitae), Labcorp
Classification: Uncertain significance for Pheochromocytoma/paraganglioma syndrome 5; Mitochondrial complex II deficiency, nuclear type 1. Last evaluated: 2025-12-24. Review status: criteria provided, single submitter. Criteria: Invitae Variant Classification Sherloc (09022015). Collection method: clinical testing. Allele origin: germline.
Comment: This sequence change replaces asparagine, which is neutral and polar, with isoleucine, which is neutral and non-polar, at codon 416 of the SDHA protein (p.Asn416Ile). This variant is not present in population databases (gnomAD no frequency). This variant has not been reported in the literature in individuals affected with SDHA-related conditions. ClinVar contains an entry for this variant (Variation ID: 945560). Invitae Evidence Modeling of protein sequence and biophysical properties (such as structural, functional, and spatial information, amino acid conservation, physicochemical variation, residue mobility, and thermodynamic stability) has been performed for this missense variant. However, the output from this modeling did not meet the statistical confidence thresholds required to predict the impact of this variant on SDHA protein function. In summary, the available evidence is currently insufficient to determine the role of this variant in disease. Therefore, it has been classified as a Variant of Uncertain Significance.

Ambry Genetics
Classification: Uncertain significance for Hereditary cancer-predisposing syndrome. Last evaluated: 2025-08-29. Review status: criteria provided, single submitter. Criteria: Ambry Variant Classification Scheme 2023. Collection method: clinical testing. Allele origin: germline.
Comment: The p.N416I variant (also known as c.1247A>T), located in coding exon 9 of the SDHA gene, results from an A to T substitution at nucleotide position 1247. The asparagine at codon 416 is replaced by isoleucine, an amino acid with dissimilar properties. This amino acid position is highly conserved in available vertebrate species. In addition, the in silico prediction for this alteration is inconclusive. Since supporting evidence is limited at this time, the clinical significance of this alteration remains unclear.

GeneDx
Classification: Uncertain significance. Last evaluated: 2023-08-08. Review status: criteria provided, single submitter. Criteria: GeneDx Variant Classification Process June 2021. Collection method: clinical testing. Allele origin: germline. Affected: yes.
Comment: Not observed at significant frequency in large population cohorts (gnomAD); In silico analysis supports that this missense variant has a deleterious effect on protein structure/function; Has not been previously published as pathogenic or benign to our knowledge